The following is an entry in ClinVar:

ClinVar aggregate classification (germline): Uncertain significance (1 of 4 stars; one submission).

Conditions:
Melnick-Fraser syndrome (BOR). Also called: Branchiootorenal Syndrome (BORS); Branchiootorenal syndrome; Branchio-oto-renal syndrome. Identifiers: Orphanet 107, MedGen C0265234, MONDO:0007029.

gnomAD v4.1: 2 of 1,613,202 alleles (0.00012%); highest among the groups gnomAD compares: Non-Finnish European, 0.000085%; no homozygotes.

Submission:

Labcorp Genetics (formerly Invitae), Labcorp
Classification: Uncertain significance for Melnick-Fraser syndrome. Last evaluated: 2024-07-01. Review status: criteria provided, single submitter. Criteria: Invitae Variant Classification Sherloc (09022015). Collection method: clinical testing. Allele origin: germline.
Comment: This sequence change replaces asparagine, which is neutral and polar, with isoleucine, which is neutral and non-polar, at codon 63 of the EYA1 protein (p.Asn63Ile). This variant is not present in population databases (gnomAD no frequency). This variant has not been reported in the literature in individuals affected with EYA1-related conditions. Advanced modeling of protein sequence and biophysical properties (such as structural, functional, and spatial information, amino acid conservation, physicochemical variation, residue mobility, and thermodynamic stability) performed at Invitae indicates that this missense variant is not expected to disrupt EYA1 protein function with a negative predictive value of 95%. In summary, the available evidence is currently insufficient to determine the role of this variant in disease. Therefore, it has been classified as a Variant of Uncertain Significance.

NM_000503.6(EYA1):c.188A>T (p.Asn63Ile)

Gene: EYA1 (EYA transcriptional coactivator and phosphatase 1; minus strand). Cytogenetic location: 8q13.3.
Variant type: single nucleotide variant.
Coding change: c.188A>T on transcript NM_000503.6 (MANE Select); coding-DNA position 188, A replaced by T.
Protein change: p.Asn63Ile; replaces asparagine 63 with isoleucine.
Molecular consequence: missense variant. On other transcripts: 5 prime UTR variant (1).
Genome position (GRCh38, 1-based): chr8:71,334,111, T>A on the plus strand (A>T on the coding strand, the complement: EYA1 is on the minus strand). VCF-style: chr8-71334111-T-A. GRCh37 (hg19) VCF-style: chr8-72246346-T-A.
Other names: c.188A>T, p.Asn63Ile (NM_001288574.2, NM_001370334.1, NM_001370335.1 and 1 more transcripts); c.-97A>T (NM_001288575.2); c.275A>T, p.Asn92Ile (NM_001370333.1, NM_001370336.1, NM_172059.5); c.89A>T, p.Asn30Ile (NM_001411797.1, NM_172060.4); short protein forms N30I, N92I, N63I.
Identifiers: ClinVar variation 3692762 (VCV003692762.2).